The following is an entry in ClinVar:

NM_080425.4(GNAS):c.1463C>G (p.Ala488Gly)

Gene: GNAS (GNAS complex locus; plus strand). Cytogenetic location: 20q13.32.
Variant type: single nucleotide variant.
Coding change: c.1463C>G on transcript NM_080425.4 (MANE Plus Clinical); coding-DNA position 1463, C replaced by G.
Protein change: p.Ala488Gly; replaces alanine 488 with glycine.
Molecular consequence: missense variant. On other transcripts: intron variant (3).
Genome position (GRCh38, 1-based): chr20:58,854,728, C>G. VCF-style: chr20-58854728-C-G. GRCh37 (hg19) VCF-style: chr20-57429783-C-G.
Other names: c.1276C>G, p.Pro426Ala (NM_001077490.3, NM_001309883.1); c.1463C>G, p.Ala488Gly (NM_001410913.1); c.*42+13842C>G (NM_016592.5); c.43+13842C>G (NM_001410912.1); c.-39+12853C>G (NM_001309861.2); short protein forms A488G, P426A.
Identifiers: ClinVar variation 2430870 (VCV002430870.2), dbSNP rs1203509666, ClinGen allele CA409460844.

ClinVar aggregate classification (germline): Uncertain significance. Review status: criteria provided, multiple submitters, no conflicts (2 of 4 stars). 2 submissions from 2 submitters: Uncertain significance (2). Last evaluated 2026-04-22.

Conditions:
GNAS-related disorder. Identifiers: MedGen CN380105.

gnomAD v4.1: 2 of 1,536,080 alleles (0.00013%); highest among the groups gnomAD compares: African/African-American, 0.0027%; no homozygotes.

Submissions (2):

PreventionGenetics, part of Exact Sciences
Classification: Uncertain significance for GNAS-related condition. Last evaluated: 2026-04-22. Review status: criteria provided, single submitter. Criteria: ACMG Guidelines, 2015. Collection method: clinical testing. Allele origin: germline.
Comment: The GNAS c.1463C>G variant is predicted to result in the amino acid substitution p.Ala488Gly. This variant can also be referred to as precoding variant c.-36999C>G using an alternative transcript (NM_000516). To our knowledge, this variant has not been reported in the literature or in a large population database, indicating this variant is rare. At this time, the clinical significance of this variant is uncertain due to the absence of conclusive functional and genetic evidence.

GeneDx
Classification: Uncertain significance. Last evaluated: 2022-08-23. Review status: criteria provided, single submitter. Criteria: GeneDx Variant Classification Process June 2021. Collection method: clinical testing. Allele origin: germline. Affected: yes.
Comment: Reported using an alternate transcript of the gene; Not observed at significant frequency in large population cohorts (gnomAD); In silico analysis supports that this missense variant has a deleterious effect on protein structure/function; Has not been previously published as pathogenic or benign to our knowledge